The following is an entry in ClinVar:

NM_004456.5(EZH2):c.977G>T (p.Gly326Val)

Gene: EZH2 (enhancer of zeste 2 polycomb repressive complex 2 subunit; minus strand). Cytogenetic location: 7q36.1.
Variant type: single nucleotide variant.
Coding change: c.977G>T on transcript NM_004456.5 (MANE Select); coding-DNA position 977, G replaced by T.
Protein change: p.Gly326Val; replaces glycine 326 with valine.
Molecular consequence: missense variant.
Genome position (GRCh38, 1-based): chr7:148,819,618, C>A on the plus strand (G>T on the coding strand, the complement: EZH2 is on the minus strand). VCF-style: chr7-148819618-C-A. GRCh37 (hg19) VCF-style: chr7-148516710-C-A.
Other names: c.962G>T, p.Gly321Val (NM_001203247.2); c.935G>T, p.Gly312Val (NM_001203248.2, NM_001203249.2); c.845G>T, p.Gly282Val (NM_152998.3); short protein forms G282V, G312V, G321V, G326V.
Identifiers: ClinVar variation 3276915 (VCV003276915.2).
Genomic context (GRCh38, chr7:148,819,618, plus strand): 5'-TCAAGTACCCTCTGCAATAATTAGGCACTAAGTCTTACCAAATGCTGGTAACACTGTGGT[C>A]CACAAGGTTTGTTGTCTAGAGCTGTTTCTGTGTTCTTCCGCTTATAAGTGTTGGGTGTTG-3'
Protein context (NP_004447.2, residues 316-336): TETALDNKPC[Gly326Val]PQCYQHLEGA

ClinVar aggregate classification (germline): Uncertain significance. Review status: criteria provided, multiple submitters, no conflicts (2 of 4 stars). 2 submissions from 2 submitters: Uncertain significance (2). Last evaluated 2026-09-09.

Conditions:
Inborn genetic diseases. Identifiers: MedGen C0950123, MeSH D030342.
EZH2-related disorder.

Submissions (2):

PreventionGenetics, part of Exact Sciences
Classification: Uncertain significance for EZH2-related condition. Last evaluated: 2026-09-09. Review status: criteria provided, single submitter. Criteria: ACMG Guidelines, 2015. Collection method: clinical testing. Allele origin: germline.
Comment: The EZH2 c.977G>T variant is predicted to result in the amino acid substitution p.Gly326Val. To our knowledge, this variant has not been reported in the literature or in a large population database, indicating this variant is rare. At this time, the clinical significance of this variant is uncertain due to the absence of conclusive functional and genetic evidence.

Ambry Genetics
Classification: Uncertain significance for Inborn genetic diseases. Last evaluated: 2024-04-01. Review status: criteria provided, single submitter. Criteria: Ambry Variant Classification Scheme 2023. Collection method: clinical testing. Allele origin: germline.